The following is an entry in ClinVar:

NM_001482.2(GATM):c.-674T>C

Gene: GATM (glycine amidinotransferase; minus strand). Cytogenetic location: 15q21.1.
Variant type: single nucleotide variant.
Coding change: c.-674T>C on transcript NM_001482.2; 674 bases upstream of the start codon, T replaced by C.
Molecular consequence: intron variant (on NM_001321015.2).
Genome position (GRCh38, 1-based): chr15:45,379,127, A>G on the plus strand (T>C on the coding strand, the complement: GATM is on the minus strand). VCF-style: chr15-45379127-A-G. GRCh37 (hg19) VCF-style: chr15-45671325-A-G.
Other names: c.-319+1357T>C (NM_001321015.2).
Identifiers: ClinVar variation 684065 (VCV000684065.4), dbSNP rs7164602, ClinGen allele CA14099769.
Genomic context (GRCh38, chr15:45,379,127, plus strand): 5'-TTCCAGTACCCCGTCGGTTGTTATTTGGAACACCTGGCATTTCACATGGTCTTTGGCCAT[A>G]TGCCCCTGGCTTGAGAAACTCCGTCATGAAAATCGACAAGTGTGGGTCAGAAATAAGGGA-3'

ClinVar aggregate classification (germline): Benign. Review status: criteria provided, multiple submitters, no conflicts (2 of 4 stars). 2 submissions from 2 submitters: Benign (2). Last evaluated 2018-06-18.

Allele frequency attached by ClinVar (database versions not stated): gnomAD 0.31068 and 0.32039; gnomAD exomes 0.33333; TOPMed 0.33803; 1000 Genomes Project 30x 0.43941; 1000 Genomes Project 0.45088.
gnomAD v4.1: 48,652 of 152,088 alleles (32%); highest among the groups gnomAD compares: East Asian, 83%; 8,887 homozygotes.

Submissions (2):

GeneDx
Classification: Benign. Last evaluated: 2018-06-18. Review status: criteria provided, single submitter. Criteria: GeneDx Variant Classification (06012015). Collection method: clinical testing. Allele origin: germline. Affected: yes.
Comment: This variant is considered likely benign or benign based on one or more of the following criteria: it is a conservative change, it occurs at a poorly conserved position in the protein, it is predicted to be benign by multiple in silico algorithms, and/or has population frequency not consistent with disease.

Breakthrough Genomics
Classification: Benign. Review status: criteria provided, single submitter. Criteria: ACMG Guidelines, 2015. Collection method: not provided. Allele origin: germline. Inheritance: Autosomal recessive inheritance. Affected: yes.